The following is an entry in ClinVar:

ClinVar aggregate classification (germline): Pathogenic (1 of 4 stars; one submission).

Submission:

Labcorp Genetics (formerly Invitae), Labcorp
Classification: Pathogenic. Last evaluated: 2022-11-11. Review status: criteria provided, single submitter. Criteria: Invitae Variant Classification Sherloc (09022015). Collection method: clinical testing. Allele origin: germline.
Comment: For these reasons, this variant has been classified as Pathogenic. ClinVar contains an entry for this variant (Variation ID: 1073989). This variant has not been reported in the literature in individuals affected with SETD1B-related conditions. This variant is not present in population databases (gnomAD no frequency). This sequence change creates a premature translational stop signal (p.Arg1523Glyfs*48) in the SETD1B gene. It is expected to result in an absent or disrupted protein product. Loss-of-function variants in SETD1B are known to be pathogenic (PMID: 29322246, 31110234, 31440728). The SETD1B gene has multiple clinically relevant transcripts. This variant occurs in alternate transcript NM_001353345.1, and corresponds to NM_015048.1:c.4438del (p.Arg1480Glyfs*48) in the primary transcript.

Literature cited by the submitters: PubMed 29322246; PubMed 31110234; PubMed 31440728.

NM_001353345.2(SETD1B):c.4567del (p.Arg1523fs)

Gene: SETD1B (SET domain containing 1B, histone lysine methyltransferase; plus strand). Cytogenetic location: 12q24.31.
Variant type: Deletion.
Coding change: c.4567del on transcript NM_001353345.2 (MANE Select); coding-DNA position 4567, one base deleted (C; older notation c.4567delC).
Protein change: p.Arg1523fs; shifts the reading frame from arginine 1523.
Molecular consequence: frameshift variant.
Genome position (GRCh38, 1-based): chr12:121,823,146, C deleted; the last of 4 consecutive C bases (chr12:121,823,143-121,823,146); deleting any one gives the same sequence. VCF-style (leftmost placement, unchanged base first): chr12-121823142-GC-G. GRCh37 (hg19) VCF-style: chr12-122261048-GC-G.
Other names: short protein forms R1523fs.
Identifiers: ClinVar variation 1073989 (VCV001073989.7), dbSNP rs2137579387, ClinGen allele CA2499221476.
Genomic context (GRCh38, chr12:121,823,142, plus strand): 5'-ACCCCTGCTGCCCGCCCCCCTGGCCTCTTGCCCTCCCCCAATGAAGAGGAAGCCGGGCCG[GC>G]CCCGGCGATCCCCACCATCTATGCTCTCCTTGGATGGGCCCTTGGTCCGACCACCAGCAG-3'